The following is an entry in ClinVar:

NM_014339.7(IL17RA):c.138G>A (p.Pro46=)

Gene: IL17RA (interleukin 17 receptor A; plus strand). Cytogenetic location: 22q11.1.
Variant type: single nucleotide variant.
Coding change: c.138G>A on transcript NM_014339.7 (MANE Select); coding-DNA position 138, G replaced by A.
Protein change: p.Pro46=; no amino-acid change (proline 46 retained).
Molecular consequence: synonymous variant.
Genome position (GRCh38, 1-based): chr22:17,085,229, G>A. VCF-style: chr22-17085229-G-A. GRCh37 (hg19) VCF-style: chr22-17566119-G-A.
Other names: c.138G>A, p.Pro46= (NM_001289905.2).
Identifiers: ClinVar variation 639564 (VCV000639564.6), dbSNP rs1186749135, ClinGen allele CA512867765.

ClinVar aggregate classification (germline): Uncertain significance (1 of 4 stars; one submission).

Conditions:
Immunodeficiency 51 (IMD51). Also called: CANDIDIASIS, FAMILIAL, 5. Identifiers: Orphanet 1334, MedGen C4310803, MONDO:0013500, OMIM 613953.

gnomAD v4.1: 1 of 1,538,378 alleles (0.000065%); highest among the groups gnomAD compares: Non-Finnish European, 0.000087%; no homozygotes.

Submission:

Labcorp Genetics (formerly Invitae), Labcorp
Classification: Uncertain significance for Immunodeficiency 51. Last evaluated: 2018-12-25. Review status: criteria provided, single submitter. Criteria: Invitae Variant Classification Sherloc (09022015). Collection method: clinical testing. Allele origin: germline.
Comment: In summary, the available evidence is currently insufficient to determine the role of this variant in disease. Therefore, it has been classified as a Variant of Uncertain Significance. Nucleotide substitutions within the consensus splice site are a relatively common cause of aberrant splicing (PMID: 17576681, 9536098). Algorithms developed to predict the effect of sequence changes on RNA splicing suggest that this variant may disrupt the consensus splice site, but this prediction has not been confirmed by published transcriptional studies. This variant has not been reported in the literature in individuals with IL17RA-related conditions. The frequency data for this variant in the population databases is considered unreliable, as metrics indicate insufficient coverage at this position in the ExAC database. This sequence change affects codon 46 of the IL17RA mRNA. It is a 'silent' change, meaning that it does not change the encoded amino acid sequence of the IL17RA protein. This variant also falls at the last nucleotide of exon 1 of the IL17RA coding sequence, which is part of the consensus splice site for this exon.

Literature cited by the submitters: PubMed 17576681; PubMed 9536098.